The following is an entry in ClinVar:

ClinVar aggregate classification (germline): Conflicting classifications of pathogenicity. Review status: criteria provided, conflicting classifications (1 of 4 stars). 3 submissions from 3 submitters: Uncertain significance (2); Likely benign (1). Last evaluated 2026-06-09.

Conditions:
Cardiovascular phenotype. Identifiers: MedGen CN230736.
Hereditary cancer-predisposing syndrome. Also called: Neoplastic Syndromes, Hereditary; Hereditary neoplastic syndrome; Tumor predisposition; Hereditary Cancer Syndrome. Identifiers: Orphanet 140162, MedGen C0027672, MeSH D009386, MONDO:0015356.
LZTR1-related disorder. Also called: LZTR1-related disorders; LZTR1-related condition.

Allele frequency attached by ClinVar (database versions not stated): gnomAD exomes below 0.00001; gnomAD 0.00001; TOPMed 0.00001; ESP Exome Variant Server 0.00008.
gnomAD v4.1: 2 of 1,612,686 alleles (0.00012%); highest among the groups gnomAD compares: Non-Finnish European, 0.00017%; no homozygotes.

Submissions (3):

Ambry Genetics
Classification: Uncertain significance for Cardiovascular phenotype; Hereditary cancer-predisposing syndrome. Last evaluated: 2026-06-09. Review status: criteria provided, single submitter. Criteria: Ambry Variant Classification Scheme 2023. Collection method: clinical testing. Allele origin: germline.
Comment: The c.1671C>T variant (also known as p.F557F), located in coding exon 15 of the LZTR1 gene, results from a C to T substitution at nucleotide position 1671. This nucleotide substitution does not change the phenylalanine at codon 557. This nucleotide position is not well conserved in available vertebrate species. In silico splice site analysis predicts that this alteration may result in the creation or strengthening of a novel splice acceptor site; however, direct evidence is insufficient at this time (Ambry internal data). Since supporting evidence is limited at this time, the clinical significance of this alteration remains unclear.

Labcorp Genetics (formerly Invitae), Labcorp
Classification: Likely benign. Last evaluated: 2025-05-18. Review status: criteria provided, single submitter. Criteria: Invitae Variant Classification Sherloc (09022015). Collection method: clinical testing. Allele origin: germline.

PreventionGenetics, part of Exact Sciences
Classification: Uncertain significance for LZTR1-related condition. Last evaluated: 2025-02-24. Review status: criteria provided, single submitter. Criteria: ACMG Guidelines, 2015. Collection method: clinical testing. Allele origin: germline.
Comment: The LZTR1 c.1671C>T variant is not predicted to result in an amino acid change (p.=). This variant is predicted to create a cryptic splice acceptor site (SpliceAI, Jaganathan et al. 2019. PubMed ID: 30661751). To our knowledge, this variant has not been reported in the literature or in a large population database (gnomAD), indicating this variant is rare. At this time, the clinical significance of this variant is uncertain due to the absence of conclusive functional and genetic evidence.

NM_006767.4(LZTR1):c.1671C>T (p.Phe557=)

Gene: LZTR1 (leucine zipper like post translational regulator 1; plus strand). Cytogenetic location: 22q11.21.
Variant type: single nucleotide variant.
Coding change: c.1671C>T on transcript NM_006767.4 (MANE Select); coding-DNA position 1671, C replaced by T.
Protein change: p.Phe557=; no amino-acid change (phenylalanine 557 retained).
Molecular consequence: synonymous variant.
Genome position (GRCh38, 1-based): chr22:20,994,613, C>T. VCF-style: chr22-20994613-C-T. GRCh37 (hg19) VCF-style: chr22-21348902-C-T.
Identifiers: ClinVar variation 2447727 (VCV002447727.5), dbSNP rs148399643, ClinGen allele CA322269724.